The following is an entry in ClinVar:

ClinVar aggregate classification (germline): Conflicting classifications of pathogenicity. Review status: criteria provided, conflicting classifications (1 of 4 stars). 3 submissions from 3 submitters: Likely pathogenic (2); Uncertain significance (1). Last evaluated 2025-08-13.

Conditions:
Carney complex, type 1 (CNC1). Also called: CARNEY MYXOMA-ENDOCRINE COMPLEX; CARNEY COMPLEX, TYPE I. Identifiers: Orphanet 1359, MedGen C2607929, MONDO:0008057, OMIM 160980.
Acrodysostosis 1 with or without hormone resistance (ACRDYS1). Also called: ACRODYSOSTOSIS WITH HORMONE RESISTANCE; ACRODYSOSTOSIS 1 WITH HORMONE RESISTANCE; ACRODYSOSTOSIS 1 WITHOUT HORMONE RESISTANCE. Identifiers: Orphanet 280651, MedGen C3276228, MONDO:0007044, OMIM 101800.

Submissions (3):

3billion
Classification: Likely pathogenic for Acrodysostosis 1 with or without hormone resistance. Last evaluated: 2025-08-13. Review status: criteria provided, single submitter. Criteria: ACMG Guidelines, 2015. Collection method: clinical testing. Allele origin: germline. Affected: yes.
Comment: The variant is not observed in the gnomAD v4.1.0 dataset. Predicted Consequence/Location: Missense variant In silico tool predictions suggest damaging effect of the variant on gene or gene product [REVEL: 0.95 (>=0.6, sensitivity 0.68 and specificity 0.92); 3Cnet: 0.98 (> 0.75, sensitivity 0.96 and precision 0.92)]. The same nucleotide change resulting in the same amino acid change has been previously reported to be associated with PRKAR1A-related disorder (ClinVar ID: VCV000501969 /PMID: 23043190).The variant has been previously reported as assumed (i.e. paternity and maternity not confirmed) de novo in at least one similarly affected unrelated individual (PMID: 23043190). Therefore, this variant is classified as Likely pathogenic according to the recommendation of ACMG/AMP guideline.

Labcorp Genetics (formerly Invitae), Labcorp
Classification: Likely pathogenic for Carney complex, type 1. Last evaluated: 2021-01-21. Review status: criteria provided, single submitter. Criteria: Invitae Variant Classification Sherloc (09022015). Collection method: clinical testing. Allele origin: germline.
Comment: Experimental studies have shown that this variant affects PRKAR1A protein function (PMID: 26405036). In summary, the currently available evidence indicates that the variant is pathogenic, but additional data are needed to prove that conclusively. Therefore, this variant has been classified as Likely Pathogenic. This variant has been observed in individual(s) with acrodysostosis (PMID: 23043190). In at least one individual the variant was observed to be de novo. ClinVar contains an entry for this variant (Variation ID: 501969). This sequence change replaces glutamine with arginine at codon 285 of the PRKAR1A protein (p.Gln285Arg). The glutamine residue is highly conserved and there is a small physicochemical difference between glutamine and arginine. This variant is not present in population databases (ExAC no frequency).

Eurofins Ntd Llc (ga)
Classification: Uncertain significance. Last evaluated: 2017-05-23. Review status: criteria provided, single submitter. Criteria: EGL Classification Definitions 2015. Collection method: clinical testing. Allele origin: germline. Observed: 1 variant allele, 1 heterozygote.

Literature cited by the submitters: PubMed 23043190 (cited by 3billion and Labcorp Genetics (formerly Invitae), Labcorp); PubMed 26405036 (cited by Labcorp Genetics (formerly Invitae), Labcorp).

NM_002734.5(PRKAR1A):c.854A>G (p.Gln285Arg)

Gene: PRKAR1A (protein kinase cAMP-dependent type I regulatory subunit alpha; plus strand). Cytogenetic location: 17q24.2.
Variant type: single nucleotide variant.
Coding change: c.854A>G on transcript NM_002734.5 (MANE Select); coding-DNA position 854, A replaced by G.
Protein change: p.Gln285Arg; replaces glutamine 285 with arginine.
Molecular consequence: missense variant.
Genome position (GRCh38, 1-based): chr17:68,528,954, A>G. VCF-style: chr17-68528954-A-G. GRCh37 (hg19) VCF-style: chr17-66525095-A-G.
Other names: c.854A>G, p.Gln285Arg (NM_001276289.2, NM_001276290.1, NM_001278433.2 and 4 more transcripts); short protein forms Q285R.
Identifiers: ClinVar variation 501969 (VCV000501969.13), dbSNP rs1555814719, ClinGen allele CA400753971.